The following is an entry in ClinVar:

ClinVar aggregate classification (germline): Uncertain significance. Review status: criteria provided, multiple submitters, no conflicts (2 of 4 stars). 2 submissions from 2 submitters: Uncertain significance (2). Last evaluated 2025-06-18.

Conditions:
Inborn genetic diseases. Identifiers: MedGen C0950123, MeSH D030342.

Allele frequency attached by ClinVar (database versions not stated): gnomAD 0.00001; gnomAD exomes 0.00001; TOPMed 0.00003.

Submissions (2):

Ambry Genetics
Classification: Uncertain significance for Inborn genetic diseases. Last evaluated: 2025-06-18. Review status: criteria provided, single submitter. Criteria: Ambry Variant Classification Scheme 2023. Collection method: clinical testing. Allele origin: germline.

GeneDx
Classification: Uncertain significance. Last evaluated: 2017-07-06. Review status: criteria provided, single submitter. Criteria: GeneDx Variant Classification (06012015). Collection method: clinical testing. Allele origin: germline. Affected: yes.
Comment: The L238W variant in the PIEZO2 gene has not been reported previously as a pathogenic variant, nor as a benign variant, to our knowledge. The L238W variant is not observed in large population cohorts (Lek et al., 2016; 1000 Genomes Consortium et al., 2015; Exome Variant Server). The L238W variant is a semi-conservative amino acid substitution, which may impact secondary protein structure as these residues differ in some properties. This substitution occurs at a position where amino acids with similar properties to Leucine are tolerated across species. In silico analysis predicts this variant is probably damaging to the protein structure/function. We interpret L238W as a variant of uncertain significance.

NM_001378183.1(PIEZO2):c.713T>G (p.Leu238Trp)

Gene: PIEZO2 (piezo type mechanosensitive ion channel component 2; minus strand). Cytogenetic location: 18p11.22.
Variant type: single nucleotide variant.
Coding change: c.713T>G on transcript NM_001378183.1 (MANE Select); coding-DNA position 713, T replaced by G.
Protein change: p.Leu238Trp; replaces leucine 238 with tryptophan.
Molecular consequence: missense variant.
Genome position (GRCh38, 1-based): chr18:10,855,557, A>C on the plus strand (T>G on the coding strand, the complement: PIEZO2 is on the minus strand). VCF-style: chr18-10855557-A-C. GRCh37 (hg19) VCF-style: chr18-10855555-A-C.
Other names: c.713T>G, p.Leu238Trp (NM_022068.4); short protein forms L238W.
Identifiers: ClinVar variation 427172 (VCV000427172.3), dbSNP rs927091191, ClinGen allele CA296585802.